The following is an entry in ClinVar:

NM_001330078.2(NRXN1):c.1948G>C (p.Asp650His)

Gene: NRXN1 (neurexin 1; minus strand). Cytogenetic location: 2p16.3.
Variant type: single nucleotide variant.
Coding change: c.1948G>C on transcript NM_001330078.2 (MANE Select); coding-DNA position 1948, G replaced by C.
Protein change: p.Asp650His; replaces aspartic acid 650 with histidine.
Molecular consequence: missense variant.
Genome position (GRCh38, 1-based): chr2:50,538,448, C>G on the plus strand (G>C on the coding strand, the complement: NRXN1 is on the minus strand). VCF-style: chr2-50538448-C-G. GRCh37 (hg19) VCF-style: chr2-50765586-C-G.
Other names: c.2068G>C, p.Asp690His (NM_001135659.3); c.1924G>C, p.Asp642His (NM_001330077.2, NM_001330082.2, NM_001330095.2); c.1909G>C, p.Asp637His (NM_001330083.2, NM_001330084.2); c.1948G>C, p.Asp650His (NM_001330085.2, NM_001330086.2, NM_004801.6); c.1864G>C, p.Asp622His (NM_001330087.2, NM_001330096.2); c.1894G>C, p.Asp632His (NM_001330088.2); c.1945G>C, p.Asp649His (NM_001330093.2); c.1936G>C, p.Asp646His (NM_001330094.2); short protein forms D622H, D632H, D637H, D642H, D646H, D649H, D650H, D690H.
Identifiers: ClinVar variation 1027148 (VCV001027148.12), dbSNP rs202137841, ClinGen allele CA1654951.

ClinVar aggregate classification (germline): Uncertain significance. Review status: criteria provided, multiple submitters, no conflicts (2 of 4 stars). 3 submissions from 3 submitters: Uncertain significance (3). Last evaluated 2022-07-29.

Conditions:
Inborn genetic diseases. Identifiers: MedGen C0950123, MeSH D030342.
Pitt-Hopkins-like syndrome 2 (PTHSL2). Identifiers: Orphanet 221150, Orphanet 600663, MedGen C3280479, MONDO:0013690, OMIM 614325.

Allele frequency attached by ClinVar (database versions not stated): ExAC 0.00001; TOPMed 0.00002.

Submissions (3):

Ambry Genetics
Classification: Uncertain significance for Inborn genetic diseases. Last evaluated: 2022-07-29. Review status: criteria provided, single submitter. Criteria: Ambry Variant Classification Scheme 2023. Collection method: clinical testing. Allele origin: germline.

Labcorp Genetics (formerly Invitae), Labcorp
Classification: Uncertain significance for Pitt-Hopkins-like syndrome 2. Last evaluated: 2022-07-11. Review status: criteria provided, single submitter. Criteria: Invitae Variant Classification Sherloc (09022015). Collection method: clinical testing. Allele origin: germline.
Comment: This variant has not been reported in the literature in individuals affected with NRXN1-related conditions. This sequence change replaces aspartic acid, which is acidic and polar, with histidine, which is basic and polar, at codon 690 of the NRXN1 protein (p.Asp690His). This variant is present in population databases (rs202137841, gnomAD 0.003%). ClinVar contains an entry for this variant (Variation ID: 1027148). Algorithms developed to predict the effect of missense changes on protein structure and function are either unavailable or do not agree on the potential impact of this missense change (SIFT: "Deleterious"; PolyPhen-2: "Probably Damaging"; Align-GVGD: "Class C15"). In summary, the available evidence is currently insufficient to determine the role of this variant in disease. Therefore, it has been classified as a Variant of Uncertain Significance.

GeneDx
Classification: Uncertain significance. Last evaluated: 2021-06-01. Review status: criteria provided, single submitter. Criteria: GeneDx Variant Classification Process June 2021. Collection method: clinical testing. Allele origin: germline. Affected: yes.
Comment: Not observed at significant frequency in large population cohorts (Lek et al., 2016); In silico analysis supports that this missense variant has a deleterious effect on protein structure/function; Missense variant in a gene in which most reported pathogenic variants are truncating/loss-of-function; Has not been previously published as pathogenic or benign to our knowledge; This variant is associated with the following publications: (PMID: 21424692, 19896112, 27535533)